The following is an entry in ClinVar:

ClinVar aggregate classification (germline): Uncertain significance (1 of 4 stars; one submission).

Conditions:
Cardiomyopathy (CMYO). Also called: Cardiomyopathies. Identifiers: Orphanet 167848, MedGen C0878544, MONDO:0004994, HP:0001638. Inheritance: Various modes of inheritance.

Submission:

Color Diagnostics, LLC DBA Color Health
Classification: Uncertain significance for Cardiomyopathy. Last evaluated: 2023-12-04. Review status: criteria provided, single submitter. Criteria: ACMG Guidelines, 2015. Collection method: clinical testing. Allele origin: germline.
Comment: Variant of Uncertain Significance due to insufficient evidence: This missense variant replaces serine with threonine at codon 2837 of the DSP protein. Computational prediction tools and conservation analyses are inconclusive regarding the impact of this variant on the protein function. Computational splicing tools suggest that this variant may not impact RNA splicing. To our knowledge, functional assays have not been performed for this variant nor has this variant been reported in individuals affected with cardiovascular disorders in the literature. This variant is rare in the general population and has been identified in 0/277264 chromosomes by the Genome Aggregation Database (gnomAD). Available evidence is insufficient to determine the role of this variant in disease conclusively.

NM_004415.4(DSP):c.8509T>A (p.Ser2837Thr)

Gene: DSP (desmoplakin; plus strand). Cytogenetic location: 6p24.3.
Variant type: single nucleotide variant.
Coding change: c.8509T>A on transcript NM_004415.4 (MANE Select); coding-DNA position 8509, T replaced by A.
Protein change: p.Ser2837Thr; replaces serine 2837 with threonine.
Molecular consequence: missense variant.
Genome position (GRCh38, 1-based): chr6:7,585,771, T>A. VCF-style: chr6-7585771-T-A. GRCh37 (hg19) VCF-style: chr6-7586004-T-A.
Other names: c.6712T>A, p.Ser2238Thr (NM_001008844.3); c.7180T>A, p.Ser2394Thr (NM_001319034.2); short protein forms S2837T, S2238T, S2394T.
Identifiers: ClinVar variation 922332 (VCV000922332.5), dbSNP rs1759649093, ClinGen allele CA362695280.